The following is an entry in ClinVar:

NM_001365276.2(TNXB):c.10438G>A (p.Val3480Met)

Gene: TNXB (tenascin XB; minus strand). Cytogenetic location: 6p21.33.
Variant type: single nucleotide variant.
Coding change: c.10438G>A on transcript NM_001365276.2 (MANE Select); coding-DNA position 10438, G replaced by A.
Protein change: p.Val3480Met; replaces valine 3480 with methionine.
Molecular consequence: missense variant.
Genome position (GRCh38, 1-based): chr6:32,046,343, C>T on the plus strand (G>A on the coding strand, the complement: TNXB is on the minus strand). VCF-style: chr6-32046343-C-T. GRCh37 (hg19) VCF-style: chr6-32014120-C-T.
Other names: c.11179G>A, p.Val3727Met (NM_001428335.1); c.10432G>A, p.Val3478Met (NM_019105.8); short protein forms V3478M, V3727M, V3480M.
Identifiers: ClinVar variation 4188720 (VCV004188720.1).

ClinVar aggregate classification (germline): Uncertain significance (1 of 4 stars; one submission).

Conditions:
Cardiovascular phenotype. Identifiers: MedGen CN230736.

gnomAD v4.1: 30 of 1,605,426 alleles (0.0019%); highest among the groups gnomAD compares: Middle Eastern, 0.017%; no homozygotes.

Submission:

Ambry Genetics
Classification: Uncertain significance for Cardiovascular phenotype. Last evaluated: 2025-08-28. Review status: criteria provided, single submitter. Criteria: Ambry Variant Classification Scheme 2023. Collection method: clinical testing. Allele origin: germline.
Comment: The p.V3478M variant (also known as c.10432G>A), located in coding exon 30 of the TNXB gene, results from a G to A substitution at nucleotide position 10432. The valine at codon 3478 is replaced by methionine, an amino acid with highly similar properties. This amino acid position is conserved. In addition, this alteration is predicted to be tolerated by in silico analysis. Based on the available evidence, the clinical significance of this variant remains unclear.